The following is an entry in ClinVar:

NM_024741.3(ZNF408):c.251C>T (p.Pro84Leu)

Gene: ZNF408 (zinc finger protein 408; plus strand). Cytogenetic location: 11p11.2.
Variant type: single nucleotide variant.
Coding change: c.251C>T on transcript NM_024741.3 (MANE Select); coding-DNA position 251, C replaced by T.
Protein change: p.Pro84Leu; replaces proline 84 with leucine.
Molecular consequence: missense variant.
Genome position (GRCh38, 1-based): chr11:46,701,597, C>T. VCF-style: chr11-46701597-C-T. GRCh37 (hg19) VCF-style: chr11-46723147-C-T.
Other names: c.227C>T, p.Pro76Leu (NM_001184751.2); short protein forms P76L, P84L.
Identifiers: ClinVar variation 1520622 (VCV001520622.8), dbSNP rs2134505447, ClinGen allele CA380251827.

ClinVar aggregate classification (germline): Uncertain significance (1 of 4 stars; one submission).

Submission:

Labcorp Genetics (formerly Invitae), Labcorp
Classification: Uncertain significance. Last evaluated: 2020-12-08. Review status: criteria provided, single submitter. Criteria: Invitae Variant Classification Sherloc (09022015). Collection method: clinical testing. Allele origin: germline.
Comment: This variant has not been reported in the literature in individuals with ZNF408-related conditions. This variant is not present in population databases (ExAC no frequency). This sequence change replaces proline with leucine at codon 84 of the ZNF408 protein (p.Pro84Leu). The proline residue is highly conserved and there is a moderate physicochemical difference between proline and leucine. Algorithms developed to predict the effect of missense changes on protein structure and function output the following: SIFT: "Deleterious"; PolyPhen-2: "Probably Damaging"; Align-GVGD: "Class C0". The leucine amino acid residue is found in multiple mammalian species, suggesting that this missense change does not adversely affect protein function. These predictions have not been confirmed by published functional studies and their clinical significance is uncertain. In summary, the available evidence is currently insufficient to determine the role of this variant in disease. Therefore, it has been classified as a Variant of Uncertain Significance.